The following is an entry in ClinVar:

NM_005188.4(CBL):c.1228-1G>A

Gene: CBL (Cbl proto-oncogene; plus strand). Cytogenetic location: 11q23.3.
Variant type: single nucleotide variant.
Coding change: c.1228-1G>A on transcript NM_005188.4 (MANE Select); the canonical splice acceptor site of the intron before coding-DNA position 1228, G replaced by A.
Molecular consequence: splice acceptor variant.
Genome position (GRCh38, 1-based): chr11:119,278,509, G>A. VCF-style: chr11-119278509-G-A. GRCh37 (hg19) VCF-style: chr11-119149219-G-A.
Other names: IVS8AS, G-A, -1.
Identifiers: ClinVar variation 140455 (VCV000140455.5), dbSNP rs587777540, ClinGen allele CA232603.

ClinVar aggregate classification (germline): Conflicting classifications of pathogenicity. Review status: criteria provided, conflicting classifications (1 of 4 stars). 4 submissions from 4 submitters: Likely pathogenic (2); Uncertain significance (1). 1 of the submissions does not count toward it. Last evaluated 2026-01-30.

Conditions:
CBL-related disorder. Also called: NOONAN SYNDROME-LIKE DISORDER WITHOUT JUVENILE MYELOMONOCYTIC LEUKEMIA; CBL MUTATION-ASSOCIATED SYNDROME; CBL SYNDROME. Identifiers: Orphanet 363972, MedGen C3150803, MONDO:0013308, OMIM 613563.
Intellectual disability. Also called: Intellectual developmental disorder; Intellectual functioning disability; intellectual disabilities. Identifiers: MedGen C3714756, MeSH D008607, MONDO:0001071, HP:0001249.

Allele frequency attached by ClinVar (database versions not stated): TOPMed below 0.00001; gnomAD 0.00001.
gnomAD v4.1: 1 of 1,612,736 alleles (0.000062%); highest among the groups gnomAD compares: African/African-American, 0.0013%; no homozygotes.

Submissions (4):

GeneDx
Classification: Likely pathogenic. Last evaluated: 2026-01-30. Review status: criteria provided, single submitter. Criteria: GeneDx Variant Classification Process June 2021. Collection method: clinical testing. Allele origin: germline.
Comment: Canonical splice site variant with an unclear effect on protein function; Observed in at least one heterozygous clinically unaffected adult relative of an individual referred for genetic testing at GeneDx; This variant is associated with the following publications: (PMID: 25985138, 35489185, Brown2025[Somatic], 20619386, 22315494, 24463883, 38359296, 39201354)

Institute of Medical Genetics and Applied Genomics, University Hospital Tübingen
Classification: Likely pathogenic for CBL-related disorder. Last evaluated: 2023-12-06. Review status: criteria provided, single submitter. Criteria: ACMG Guidelines, 2015. Collection method: clinical testing. Allele origin: germline. Inheritance: Autosomal dominant inheritance. Affected: yes.

Cambridge Genomics Laboratory, East Genomic Laboratory Hub, NHS Genomic Medicine Service
Classification: Uncertain significance for Intellectual disability. Last evaluated: 2019-04-17. Review status: criteria provided, single submitter. Criteria: ACGS Best Practice Guidelines for Variant Classification in Rare Disease 2020. Collection method: clinical testing. Allele origin: germline. Affected: yes. Observed: 1 variant allele.

OMIM
Classification: Uncertain significance for VARIANT OF UNKNOWN SIGNIFICANCE. Last evaluated: 2014-06-15. Review status: no assertion criteria provided. Collection method: literature only. Allele origin: germline. Not counted in ClinVar's aggregate classification.

Literature cited by the submitters: PubMed 24463883 (cited by OMIM).